The following is an entry in ClinVar:

NM_000458.4(HNF1B):c.271A>G (p.Ile91Val)

Gene: HNF1B (HNF1 homeobox B; minus strand). Cytogenetic location: 17q12.
Variant type: single nucleotide variant.
Coding change: c.271A>G on transcript NM_000458.4 (MANE Select); coding-DNA position 271, A replaced by G.
Protein change: p.Ile91Val; replaces isoleucine 91 with valine.
Molecular consequence: missense variant.
Genome position (GRCh38, 1-based): chr17:37,744,614, T>C on the plus strand (A>G on the coding strand, the complement: HNF1B is on the minus strand). VCF-style: chr17-37744614-T-C. GRCh37 (hg19) VCF-style: chr17-36104605-T-C.
Other names: c.271A>G, p.Ile91Val (NM_001165923.4, NM_001304286.2, NM_001411100.1); short protein forms I91V.
Identifiers: ClinVar variation 2603668 (VCV002603668.3), dbSNP rs1204310134, ClinGen allele CA398753422.

ClinVar aggregate classification (germline): Uncertain significance. Review status: criteria provided, multiple submitters, no conflicts (2 of 4 stars). 2 submissions from 2 submitters: Uncertain significance (2). Last evaluated 2026-01-19.

Conditions:
Maturity-onset diabetes of the young (MODY). Also called: Maturity onset diabetes mellitus in young. Identifiers: Orphanet 552, MedGen C0342276, MONDO:0018911, HP:0004904.

Allele frequency attached by ClinVar (database versions not stated): gnomAD exomes below 0.00001; TOPMed below 0.00001.
gnomAD v4.1: 1 of 1,610,536 alleles (0.000062%); highest among the groups gnomAD compares: East Asian, 0.0022%; no homozygotes.

Submissions (2):

Labcorp Genetics (formerly Invitae), Labcorp
Classification: Uncertain significance. Last evaluated: 2026-01-19. Review status: criteria provided, single submitter. Criteria: Invitae Variant Classification Sherloc (09022015). Collection method: clinical testing. Allele origin: germline.
Comment: This sequence change replaces isoleucine, which is neutral and non-polar, with valine, which is neutral and non-polar, at codon 91 of the HNF1B protein (p.Ile91Val). This variant is not present in population databases (gnomAD no frequency). This variant has not been reported in the literature in individuals affected with HNF1B-related conditions. ClinVar contains an entry for this variant (Variation ID: 2603668). Invitae Evidence Modeling of protein sequence and biophysical properties (such as structural, functional, and spatial information, amino acid conservation, physicochemical variation, residue mobility, and thermodynamic stability) indicates that this missense variant is not expected to disrupt HNF1B protein function with a negative predictive value of 80%. In summary, the available evidence is currently insufficient to determine the role of this variant in disease. Therefore, it has been classified as a Variant of Uncertain Significance.

Ambry Genetics
Classification: Uncertain significance for Maturity-onset diabetes of the young. Last evaluated: 2023-08-22. Review status: criteria provided, single submitter. Criteria: Ambry Variant Classification Scheme 2023. Collection method: clinical testing. Allele origin: germline.